The following is an entry in ClinVar:

ClinVar aggregate classification (germline): Conflicting classifications of pathogenicity. Review status: criteria provided, conflicting classifications (1 of 4 stars). 2 submissions from 2 submitters: Uncertain significance (1); Benign (1). Last evaluated 2025-06-18.

Conditions:
RYR1-related disorder. Also called: RYR1-related condition; RYR1-related disorders. Identifiers: MedGen CN239331.
Malignant hyperthermia, susceptibility to, 1 (MHS1). Also called: Anesthesia related hyperthermia; Malignant hyperpyrexia; Fulminating hyperpyrexia; Pharmacogenic myopathy; RYR1-Related Malignant Hyperthermia Susceptibility; Malignant hyperthermia suceptibility 1. Identifiers: Orphanet 423, MedGen C2930980, MONDO:0007783, OMIM 145600.

Submissions (2):

Color Diagnostics, LLC DBA Color Health
Classification: Uncertain significance for Malignant hyperthermia, susceptibility to, 1. Last evaluated: 2025-06-18. Review status: criteria provided, single submitter. Criteria: ACMG Guidelines, 2015. Collection method: clinical testing. Allele origin: germline.
Comment: This variant causes a single nucleotide deletion at -3 position in intron 84 splice acceptor site of the RYR1 gene. To our knowledge, functional studies have not been reported for this variant. This variant has not been reported in individuals affected with RYR1-related disorders in the literature. This variant has not been identified in the general population by the Genome Aggregation Database (gnomAD). The available evidence is insufficient to determine the role of this variant in disease conclusively. Therefore, this variant is classified as a Variant of Uncertain Significance.

Labcorp Genetics (formerly Invitae), Labcorp
Classification: Benign for RYR1-related disorder. Last evaluated: 2023-11-14. Review status: criteria provided, single submitter. Criteria: Invitae Variant Classification Sherloc (09022015). Collection method: clinical testing. Allele origin: germline.

NM_000540.3(RYR1):c.11690-3del

Gene: RYR1 (ryanodine receptor 1; plus strand). Cytogenetic location: 19q13.2.
Variant type: Deletion.
Coding change: c.11690-3del on transcript NM_000540.3 (MANE Select); 3 bases into the intron before coding-DNA position 11690, one base deleted (C; older notation c.11690-3delC).
Molecular consequence: intron variant.
Genome position (GRCh38, 1-based): chr19:38,543,344, C deleted; the last of 4 consecutive C bases (chr19:38,543,341-38,543,344); deleting any one gives the same sequence. VCF-style (leftmost placement, unchanged base first): chr19-38543340-TC-T. GRCh37 (hg19) VCF-style: chr19-39033980-TC-T.
Other names: c.11675-3del (NM_001042723.2).
Identifiers: ClinVar variation 2695835 (VCV002695835.4), dbSNP rs2514574248, ClinGen allele CA2584908079.